The following is an entry in ClinVar:

NM_000020.3(ACVRL1):c.289_294del (p.His97_Asn98del)

Gene: ACVRL1 (activin A receptor like type 1; plus strand). Cytogenetic location: 12q13.13.
Variant type: Deletion.
Coding change: c.289_294del on transcript NM_000020.3 (MANE Select); coding-DNA positions 289 to 294, 6 bases deleted (CACAAC; older notation c.289_294delCACAAC).
Protein change: p.His97_Asn98del.
Molecular consequence: inframe deletion. On other transcripts: intron variant (1).
Genome position (GRCh38, 1-based): chr12:51,913,326-51,913,331, CACAAC deleted; deleting any 6 consecutive bases within chr12:51,913,322-51,913,331 gives the same sequence; the c. name uses the placement nearest the transcript's 3' end. VCF-style (leftmost placement, unchanged base first): chr12-51913321-GCAACCA-G. GRCh37 (hg19) VCF-style: chr12-52307105-GCAACCA-G.
Other names: chr12-51913321 GCAACCA>G; c.289_294del, p.His97_Asn98del (NM_001077401.2, NM_001406487.1, NM_001406488.1 and 6 more transcripts); c.61+791_61+796del (NM_001406495.1).
Identifiers: ClinVar variation 2506586 (VCV002506586.2), dbSNP rs2540159161, ClinGen allele CA2580615204.
Genomic context (GRCh38, chr12:51,913,321, plus strand): 5'-AGCTCTGCAGGGGGCGCCCCACCGAGTTCGTCAACCACTACTGCTGCGACAGCCACCTCT[GCAACCA>G]CAACGTGTCCCTGGTGCTGGAGGGTACGTCCAGCTGCCCTAGCACTCCCTCCCCATCTTC-3'

ClinVar aggregate classification (germline): Pathogenic (1 of 4 stars; one submission).

Conditions:
Telangiectasia, hereditary hemorrhagic, type 2 (HHT2). Also called: ACVRL1-Related Hereditary Hemorrhagic Telangiectasia; Telangiectasia, hereditary hemorrhagic, type II. Identifiers: Orphanet 774, MedGen C1838163, MONDO:0010880, OMIM 600376. Disease mechanism: loss of function.

Submission:

HHT Research Lab - C. Olivieri, University Of Pavia
Classification: Pathogenic for Telangiectasia, hereditary hemorrhagic, type 2. Review status: criteria provided, single submitter. Criteria: ACMG Guidelines, 2015. Collection method: research. Allele origin: inherited. Inheritance: Autosomal dominant inheritance. Affected: yes. Observed: 66 variant alleles, 66 heterozygotes.
Comment: This in frame deletion variant in ACVRL1 was founded in 66 subjects showing clinical signs of HHT. Other 22 unaffected relatives were tested to test the effective co-segregation of the variant with the disease. These 88 individuals belong to 19 different families. For this variant was demonstrated an Italian Founder effect. PMID: 35620871

Literature cited by the submitters: PubMed 35620871.